The following is an entry in ClinVar:

NM_133459.4(CCBE1):c.557A>G (p.His186Arg)

Gene: CCBE1 (collagen and calcium binding EGF domains 1; minus strand). Cytogenetic location: 18q21.32.
Variant type: single nucleotide variant.
Coding change: c.557A>G on transcript NM_133459.4 (MANE Select); coding-DNA position 557, A replaced by G.
Protein change: p.His186Arg; replaces histidine 186 with arginine.
Molecular consequence: missense variant.
Genome position (GRCh38, 1-based): chr18:59,454,948, T>C on the plus strand (A>G on the coding strand, the complement: CCBE1 is on the minus strand). VCF-style: chr18-59454948-T-C. GRCh37 (hg19) VCF-style: chr18-57122180-T-C.
Other names: short protein forms H186R.
Identifiers: ClinVar variation 890865 (VCV000890865.37), dbSNP rs115071386, ClinGen allele CA8980420.

ClinVar aggregate classification (germline): Benign/Likely benign. Review status: criteria provided, multiple submitters, no conflicts (2 of 4 stars). 7 submissions from 7 submitters: Benign (1); Likely benign (5). 1 of the submissions does not count toward it. Last evaluated 2026-01-26.

Conditions:
CCBE1-related disorder. Also called: CCBE1-related condition.
Hennekam lymphangiectasia-lymphedema syndrome 1 (HKLLS1). Also called: LYMPHATIC DYSPLASIA, GENERALIZED. Identifiers: Orphanet 2136, MedGen C4012050, MONDO:0009337, OMIM 235510.
Inborn genetic diseases. Identifiers: MedGen C0950123, MeSH D030342.

Allele frequency attached by ClinVar (database versions not stated): ESP Exome Variant Server 0.00023; gnomAD 0.00036 and 0.00040; TOPMed 0.00037; 1000 Genomes Project 30x 0.00062; 1000 Genomes Project 0.00080; gnomAD exomes 0.00090; ExAC 0.00102.
gnomAD v4.1: 874 of 1,612,706 alleles (0.054%); highest among the groups gnomAD compares: South Asian, 0.41%; 2 homozygotes.

Submissions (7):

Labcorp Genetics (formerly Invitae), Labcorp
Classification: Likely benign. Last evaluated: 2026-01-26. Review status: criteria provided, single submitter. Criteria: Invitae Variant Classification Sherloc (09022015). Collection method: clinical testing. Allele origin: germline.

Ambry Genetics
Classification: Likely benign for Inborn genetic diseases. Last evaluated: 2025-11-26. Review status: criteria provided, single submitter. Criteria: Ambry Variant Classification Scheme 2023. Collection method: clinical testing. Allele origin: germline.

CeGaT Center for Human Genetics Tuebingen
Classification: Likely benign. Last evaluated: 2025-07-01. Review status: criteria provided, single submitter. Criteria: CeGaT Center For Human Genetics Tuebingen Variant Classification Criteria Version 2. Collection method: clinical testing. Allele origin: germline. Affected: yes. Observed: 2 variant alleles.
Comment: CCBE1: BP4

Laboratory of Genetics, Children's Clinical University Hospital Latvia
Classification: Benign. Last evaluated: 2025-02-16. Review status: criteria provided, single submitter. Criteria: ACMG Guidelines, 2015. Collection method: clinical testing. Allele origin: germline. Affected: yes.

Blueprint Genetics
Classification: Likely benign. Last evaluated: 2024-11-15. Review status: criteria provided, single submitter. Criteria: ACMG Guidelines, 2015. Collection method: clinical testing. Allele origin: germline.

Illumina Laboratory Services, Illumina
Classification: Likely benign for Hennekam lymphangiectasia-lymphedema syndrome 1. Last evaluated: 2018-01-12. Review status: criteria provided, single submitter. Criteria: ICSL Variant Classification Criteria 13 December 2019. Collection method: clinical testing. Allele origin: germline.
Comment: This variant was observed in the ICSL laboratory as part of a predisposition screen in an ostensibly healthy population. It had not been previously curated by ICSL or reported in the Human Gene Mutation Database (HGMD: prior to June 1st, 2018), and was therefore a candidate for classification through an automated scoring system. Utilizing variant allele frequency, disease prevalence and penetrance estimates, and inheritance mode, an automated score was calculated to assess if this variant is too frequent to cause the disease. Based on the score and internal cut-off values, a variant classified as likely benign is not then subjected to further curation. The score for this variant resulted in a classification of likely benign for this disease.

PreventionGenetics, part of Exact Sciences
Classification: Likely benign for CCBE1-related condition. Last evaluated: 2022-06-17. Review status: no assertion criteria provided. Collection method: clinical testing. Allele origin: germline. Not counted in ClinVar's aggregate classification.
Comment: This variant is classified as likely benign based on ACMG/AMP sequence variant interpretation guidelines (Richards et al. 2015 PMID: 25741868, with internal and published modifications).